The following continues an entry in ClinVar:

NM_003060.4(SLC22A5):c.34G>A (p.Gly12Ser)

Gene: SLC22A5. ClinVar aggregate classification (germline): Conflicting classifications of pathogenicity. Pathogenic (2); Likely pathogenic (5); Uncertain significance (16).

Submissions 13 to 24 of 24:

Victorian Clinical Genetics Services, Murdoch Childrens Research Institute
Classification: Uncertain significance for Renal carnitine transport defect. Last evaluated: 2023-07-17. Review status: criteria provided, single submitter. Criteria: ACMG Guidelines, 2015. Collection method: clinical testing. Allele origin: germline. Inheritance: Autosomal recessive inheritance. Affected: no.
Comment: Based on the classification scheme VCGS_Germline_v1.3.4, this variant is classified as VUS-3A. The following criteria are met: 0102 - Loss of function is a known mechanism of disease in this gene and is associated with primary systemic carnitine deficiency (MIM#212140). (I) 0106 - This gene is associated with autosomal recessive disease. Nonsense and frameshift variants are typically associated with lower carnitine transport and more commonly identified in symptomatic individuals while missense variants and in-frame deletions are typically associated with residual carnitine transport activity and more commonly identified in asymptomatic individuals (GeneReviews). (I) 0200 - Variant is predicted to result in a missense amino acid change from glycine to serine. (I) 0251 - This variant is heterozygous. (I) 0304 - Variant is present in gnomAD (v2) <0.01 for a recessive condition (195 heterozygotes, 1 homozygote). (SP) 0501 - Missense variant consistently predicted to be damaging by multiple in silico tools and moderately conserved with a minor amino acid change. (SP) 0604 - Variant is not located in an established domain, motif, hotspot or informative constraint region. (I) 0808 - Previous reports of pathogenicity for this variant are conflicting. This variant has been classified as a VUS and pathogenic by multiple clinical diagnostic laboratories (ClinVar). Additionally, it has been reported as a heterozygous VUS in a sudden infant death syndrome case and a heterozygous pathogenic variant in an individual with primary carnitine deficiency (PMIDs: 28074886, 34637945). (I) 0905 - No published segregation evidence has been identified for this variant. (I) 1002 - This variant has moderate functional evidence supporting abnormal protein function. Mutant constructs transfected into CHO cells demonstrated 51.7% carnitine transport activity compared to WT (PMID: 28841266). (SP) 0705 - No comparable missense variants have previous evidence for pathogenicity. However, it should be noted that the p.(Gly12Asp) variant which has a higher Grantham score has been classified as a VUS in ClinVar. (I) Legend: (SP) - Supporting pathogenic, (I) - Information, (SB) - Supporting benign

Mendelics
Classification: Pathogenic for Renal carnitine transport defect. Last evaluated: 2023-03-11. Review status: criteria provided, single submitter. Criteria: Mendelics Assertion Criteria 2017. Collection method: clinical testing. Allele origin: unknown.

Giacomini Lab, University of California, San Francisco
Classification: Uncertain significance for Renal carnitine transport defect. Last evaluated: 2022-10-03. Review status: criteria provided, single submitter. Criteria: ACMG Guidelines, 2015. Collection method: research, in vitro. Allele origin: germline, not applicable.

Department of Pathology and Laboratory Medicine, Sinai Health System
Classification: Uncertain significance for Renal carnitine transport defect. Last evaluated: 2021-07-30. Review status: criteria provided, single submitter. Criteria: ACMG Guidelines, 2015. Collection method: research. Allele origin: germline.

Genome-Nilou Lab
Classification: Uncertain significance for Renal carnitine transport defect. Last evaluated: 2021-07-15. Review status: criteria provided, single submitter. Criteria: ACMG Guidelines, 2015. Collection method: clinical testing. Allele origin: germline. Affected: no.

ARUP Laboratories, Molecular Genetics and Genomics, ARUP Laboratories
Classification: Uncertain significance for Renal carnitine transport defect. Last evaluated: 2019-11-08. Review status: criteria provided, single submitter. Criteria: ARUP Molecular Germline Variant Investigation Process. Collection method: clinical testing. Allele origin: germline.
Comment: The SLC22A5 c.34G>A; p.Gly12Ser variant (rs139203363) is reported in the literature in an individual with plasma carnitine deficiency affected with sudden infant death syndrome-like episode (Li 2010) and in two individuals who exhibited sudden unexpected death in infancy (Hertz 2016, Neubauer 2017). This variant is reported as a variant of uncertain significance in ClinVar (Variation ID: 25349).This variant is found in the general population with an overall allele frequency of 0.07% (195/280474 alleles, including one homozygote) in the Genome Aggregation Database. The glycine at codon 12 is highly conserved and computational analyses (SIFT, PolyPhen-2) predict that this variant is deleterious. However, this variant exhibited 51.7% of normal carnitine transport activity in functional assays, and it is unclear if this decrease is sufficient to cause disease (Frigeni 2017). Due to limited information, the clinical significance of the p.Gly12Ser variant is uncertain at this time. References: Frigeni M et al. Functional and molecular studies in primary carnitine deficiency. Hum Mutat. 2017 38:1684-1699. Hertz CL et al. Genetic investigations of sudden unexpected deaths in infancy using next-generation sequencing of 100 genes associated with cardiac diseases. Eur J Hum Genet. 2016 24:817-822. Li FY et al. Molecular spectrum of SLC22A5 (OCTN2) gene mutations detected in 143 subjects evaluated for systemic carnitine deficiency. Hum Mutat. 2010 31:E1632-1651. Neubauer J et al. Post-mortem whole-exome analysis in a large sudden infant death syndrome cohort with a focus on cardiovascular and metabolic genetic diseases. Eur J Hum Genet. 2017 25:404-409.

Stanford Center for Inherited Cardiovascular Disease, Stanford University
Classification: Uncertain significance. Last evaluated: 2017-09-22. Review status: criteria provided, single submitter. Criteria: ACMG Guidelines, 2015. Collection method: provider interpretation. Allele origin: germline.

CENTOGENE GmbH and LLC - Guiding Precision Medicine
Classification: Uncertain significance for Renal carnitine transport defect. Last evaluated: 2017-07-21. Review status: criteria provided, single submitter. Criteria: ACMG Guidelines, 2015. Collection method: clinical testing. Allele origin: maternal. Affected: yes.

Illumina Laboratory Services, Illumina
Classification: Uncertain significance for Renal carnitine transport defect. Last evaluated: 2017-04-27. Review status: criteria provided, single submitter. Criteria: ICSL Variant Classification Criteria 13 December 2019. Collection method: clinical testing. Allele origin: germline.
Comment: This variant was observed as part of a predisposition screen in an ostensibly healthy population. A literature search was performed for the gene, cDNA change, and amino acid change (where applicable). Publications were found based on this search. However, the evidence from the literature, in combination with allele frequency data from public databases where available, was not sufficient to rule this variant in or out of causing disease. Therefore, this variant is classified as a variant of unknown significance.

Baylor Genetics
Classification: Uncertain significance for Renal carnitine transport defect. Review status: criteria provided, single submitter. Criteria: ACMG Guidelines, 2015. Collection method: clinical testing. Allele origin: unknown.

Kariminejad - Najmabadi Pathology & Genetics Center
Classification: Likely pathogenic for Renal carnitine transport defect. Review status: criteria provided, single submitter. Criteria: ACMG Guidelines, 2015. Collection method: clinical testing. Allele origin: germline. Affected: no.

Natera, Inc.
Classification: Uncertain significance for Primary systemic carnitine deficiency. Last evaluated: 2020-09-16. Review status: no assertion criteria provided. Collection method: clinical testing. Allele origin: germline. Not counted in ClinVar's aggregate classification.

Literature cited by the submitters: PubMed 20574985 (cited by 5 submitters); PubMed 28841266 (cited by 5 submitters); PubMed 26350513 (cited by 4 submitters); PubMed 34440436 (cited by Women's Health and Genetics/Laboratory Corporation of America, LabCorp and Mayo Clinic Laboratories, Mayo Clinic); PubMed 34032155 (cited by 3 submitters); PubMed 35888728 (cited by Women's Health and Genetics/Laboratory Corporation of America, LabCorp and Mayo Clinic Laboratories, Mayo Clinic); PubMed 34637945 (cited by 3 submitters); PubMed 36343260 (cited by Women's Health and Genetics/Laboratory Corporation of America, LabCorp and Mayo Clinic Laboratories, Mayo Clinic); PubMed 37510298 (cited by Women's Health and Genetics/Laboratory Corporation of America, LabCorp and Mayo Clinic Laboratories, Mayo Clinic); PubMed 41022664 (cited by Department of Genetics of Metabolic Diseases, Institute of Medical & Molecular Genetics, Hospital Universitario Hospital La Paz); PubMed 25087612 (cited by Mayo Clinic Laboratories, Mayo Clinic); PubMed 26828774 (cited by Mayo Clinic Laboratories, Mayo Clinic); PubMed 28074886 (cited by Mayo Clinic Laboratories, Mayo Clinic and Victorian Clinical Genetics Services, Murdoch Childrens Research Institute); PubMed 25741914 (cited by Lildballe Lab, Aarhus University Hospital); PubMed 39481677 (cited by Lildballe Lab, Aarhus University Hospital).